The following is an entry in ClinVar:

NM_002160.4(TNC):c.2490C>T (p.Ile830=)

Gene: TNC (tenascin C; minus strand). Cytogenetic location: 9q33.1.
Variant type: single nucleotide variant.
Coding change: c.2490C>T on transcript NM_002160.4 (MANE Select); coding-DNA position 2490, C replaced by T.
Protein change: p.Ile830=; no amino-acid change (isoleucine 830 retained).
Molecular consequence: synonymous variant.
Genome position (GRCh38, 1-based): chr9:115,078,127, G>A on the plus strand (C>T on the coding strand, the complement: TNC is on the minus strand). VCF-style: chr9-115078127-G-A. GRCh37 (hg19) VCF-style: chr9-117840406-G-A.
Identifiers: ClinVar variation 735144 (VCV000735144.8), dbSNP rs145321605, ClinGen allele CA5208510.

ClinVar aggregate classification (germline): Benign/Likely benign. Review status: criteria provided, multiple submitters, no conflicts (2 of 4 stars). 5 submissions from 5 submitters: Benign (3); Likely benign (2). Last evaluated 2025-02-19.

Conditions:
Autosomal dominant nonsyndromic hearing loss 56. Also called: Deafness, autosomal dominant 56. Identifiers: Orphanet 90635, MedGen C3810170, MONDO:0014283, OMIM 615629.
TNC-related disorder. Also called: TNC-related condition.

Allele frequency attached by ClinVar (database versions not stated): gnomAD exomes 0.00026; 1000 Genomes Project 30x 0.00031; ExAC 0.00036; 1000 Genomes Project 0.00040; ESP Exome Variant Server 0.00069; gnomAD 0.00102; TOPMed 0.00112.
gnomAD v4.1: 233 of 1,614,146 alleles (0.014%); highest among the groups gnomAD compares: African/African-American, 0.28%; no homozygotes.

Submissions (5):

PreventionGenetics, part of Exact Sciences
Classification: Likely benign for TNC-related condition. Last evaluated: 2025-02-19. Review status: criteria provided, single submitter. Criteria: ACMG Guidelines, 2015. Collection method: clinical testing. Allele origin: germline.
Comment: This variant is classified as likely benign based on ACMG/AMP sequence variant interpretation guidelines (Richards et al. 2015 PMID: 25741868, with internal and published modifications).

Blueprint Genetics
Classification: Likely benign. Last evaluated: 2024-10-08. Review status: criteria provided, single submitter. Criteria: ACMG Guidelines, 2015. Collection method: clinical testing. Allele origin: germline.

Genome-Nilou Lab
Classification: Benign for Autosomal dominant nonsyndromic hearing loss 56. Last evaluated: 2022-03-15. Review status: criteria provided, single submitter. Criteria: ACMG Guidelines, 2015. Collection method: clinical testing. Allele origin: germline. Affected: no.

GeneDx
Classification: Benign. Last evaluated: 2020-03-06. Review status: criteria provided, single submitter. Criteria: GeneDx Variant Classification Process June 2021. Collection method: clinical testing. Allele origin: germline. Affected: yes.

Labcorp Genetics (formerly Invitae), Labcorp
Classification: Benign. Last evaluated: 2019-12-31. Review status: criteria provided, single submitter. Criteria: Invitae Variant Classification Sherloc (09022015). Collection method: clinical testing. Allele origin: germline.